The following is an entry in ClinVar:

NM_032590.5(KDM2B):c.1430C>T (p.Ser477Leu)

Gene: KDM2B (lysine demethylase 2B; minus strand). Cytogenetic location: 12q24.31.
Variant type: single nucleotide variant.
Coding change: c.1430C>T on transcript NM_032590.5 (MANE Select); coding-DNA position 1430, C replaced by T.
Protein change: p.Ser477Leu; replaces serine 477 with leucine.
Molecular consequence: missense variant.
Genome position (GRCh38, 1-based): chr12:121,509,784, G>A on the plus strand (C>T on the coding strand, the complement: KDM2B is on the minus strand). VCF-style: chr12-121509784-G-A. GRCh37 (hg19) VCF-style: chr12-121947587-G-A.
Other names: c.1337C>T, p.Ser446Leu (NM_001005366.2); short protein forms S446L, S477L.
Identifiers: ClinVar variation 2352705 (VCV002352705.3), dbSNP rs374042153, ClinGen allele CA6836920.

ClinVar aggregate classification (germline): Conflicting classifications of pathogenicity. Review status: criteria provided, conflicting classifications (1 of 4 stars). 2 submissions from 2 submitters: Uncertain significance (1); Likely benign (1). Last evaluated 2026-09-01.

Conditions:
Inborn genetic diseases. Identifiers: MedGen C0950123, MeSH D030342.

Allele frequency attached by ClinVar (database versions not stated): ESP Exome Variant Server 0.00008; ExAC 0.00016; gnomAD 0.00019; gnomAD exomes 0.00019; TOPMed 0.00019.
gnomAD v4.1: 312 of 1,613,942 alleles (0.019%); highest among the groups gnomAD compares: Admixed American, 0.025%; no homozygotes.

Submissions (2):

CeGaT Center for Human Genetics Tuebingen
Classification: Likely benign. Last evaluated: 2026-09-01. Review status: criteria provided, single submitter. Criteria: CeGaT Center For Human Genetics Tuebingen Variant Classification Criteria Version 2. Collection method: clinical testing. Allele origin: germline. Affected: yes. Observed: 1 variant allele.
Comment: KDM2B: BP4

Ambry Genetics
Classification: Uncertain significance for Inborn genetic diseases. Last evaluated: 2021-10-06. Review status: criteria provided, single submitter. Criteria: Ambry Variant Classification Scheme 2023. Collection method: clinical testing. Allele origin: germline.